The following is an entry in ClinVar:

ClinVar aggregate classification (germline): Benign. Review status: criteria provided, multiple submitters, no conflicts (2 of 4 stars). 3 submissions from 2 submitters: Benign (3). Last evaluated 2018-01-13.

Conditions:
Noonan syndrome 4 (NS4). Also called: SOS1-Related Noonan Syndrome; NOONAN SYNDROME WITH PIGMENTED VILLONODULAR SYNOVITIS. Identifiers: Orphanet 648, MedGen C1853120, MONDO:0012547, OMIM 610733.
Fibromatosis, gingival, 1 (GINGF1). Identifiers: Orphanet 2024, MedGen C4551558, MONDO:0007609, OMIM 135300.

Allele frequency attached by ClinVar (database versions not stated): 1000 Genomes Project 30x 0.75047; 1000 Genomes Project 0.76218; TOPMed 0.79231; gnomAD 0.80685 and 0.81008; gnomAD exomes 1.00000.
gnomAD v4.1: 123,382 of 152,140 alleles (81%); highest among the groups gnomAD compares: Non-Finnish European, 92%; 52,151 homozygotes.

Submissions (3):

Illumina Laboratory Services, Illumina
Classification: Benign for Fibromatosis, gingival, 1. Last evaluated: 2018-01-13. Review status: criteria provided, single submitter. Criteria: ICSL Variant Classification Criteria 13 December 2019. Collection method: clinical testing. Allele origin: germline.
Comment: This variant was observed in the ICSL laboratory as part of a predisposition screen in an ostensibly healthy population. It had not been previously curated by ICSL or reported in the Human Gene Mutation Database (HGMD: prior to June 1st, 2018), and was therefore a candidate for classification through an automated scoring system. Utilizing variant allele frequency, disease prevalence and penetrance estimates, and inheritance mode, an automated score was calculated to assess if this variant is too frequent to cause the disease. Based on the score and internal cut-off values, a variant classified as benign is not then subjected to further curation. The score for this variant resulted in a classification of benign for this disease.

Illumina Laboratory Services, Illumina
Classification: Benign for Noonan syndrome 4. Last evaluated: 2018-01-13. Review status: criteria provided, single submitter. Criteria: ICSL Variant Classification Criteria 13 December 2019. Collection method: clinical testing. Allele origin: germline.
Comment: the same text as in the submission from Illumina Laboratory Services, Illumina above.

Breakthrough Genomics
Classification: Benign. Review status: criteria provided, single submitter. Criteria: ACMG Guidelines, 2015. Collection method: not provided. Allele origin: germline. Inheritance: Autosomal dominant inheritance. Affected: yes.

NM_005633.4(SOS1):c.*1844A>G

Gene: SOS1 (SOS Ras/Rac guanine nucleotide exchange factor 1; minus strand). Cytogenetic location: 2p22.1.
Variant type: single nucleotide variant.
Coding change: c.*1844A>G on transcript NM_005633.4 (MANE Select); 1844 bases downstream of the stop codon, A replaced by G.
Molecular consequence: 3 prime UTR variant.
Genome position (GRCh38, 1-based): chr2:38,983,980, T>C on the plus strand (A>G on the coding strand, the complement: SOS1 is on the minus strand). VCF-style: chr2-38983980-T-C. GRCh37 (hg19) VCF-style: chr2-39211121-T-C.
Other names: c.*1844A>G (NM_001382394.1, NM_001382395.1).
Identifiers: ClinVar variation 335987 (VCV000335987.6), dbSNP rs10166395, ClinGen allele CA10615406.